The following is an entry in ClinVar:

ClinVar aggregate classification (germline): Uncertain significance. Review status: criteria provided, multiple submitters, no conflicts (2 of 4 stars). 3 submissions from 3 submitters: Uncertain significance (3). Last evaluated 2026-06-22.

Conditions:
Inborn genetic diseases. Identifiers: MedGen C0950123, MeSH D030342.
Aortic valve disease 2 (AOVD2). Identifiers: MedGen C3542024, MONDO:0013902, OMIM 614823.

gnomAD v4.1: 5 of 1,384,980 alleles (0.00036%); highest among the groups gnomAD compares: East Asian, 0.0068%; no homozygotes.

Submissions (3):

Women's Health and Genetics/Laboratory Corporation of America, LabCorp
Classification: Uncertain significance. Last evaluated: 2026-06-22. Review status: criteria provided, single submitter. Criteria: LabCorp Variant Classification Summary - May 2015. Collection method: clinical testing. Allele origin: germline.

Ambry Genetics
Classification: Uncertain significance for Inborn genetic diseases. Last evaluated: 2024-07-11. Review status: criteria provided, single submitter. Criteria: Ambry Variant Classification Scheme 2023. Collection method: clinical testing. Allele origin: germline.
Comment: The p.S163L variant (also known as c.488C>T), located in coding exon 1 of the SMAD6 gene, results from a C to T substitution at nucleotide position 488. The serine at codon 163 is replaced by leucine, an amino acid with dissimilar properties. This amino acid position is conserved. In addition, the in silico prediction for this alteration is inconclusive. Based on the available evidence, the clinical significance of this variant remains unclear.

Labcorp Genetics (formerly Invitae), Labcorp
Classification: Uncertain significance for Aortic valve disease 2. Last evaluated: 2022-06-18. Review status: criteria provided, single submitter. Criteria: Invitae Variant Classification Sherloc (09022015). Collection method: clinical testing. Allele origin: germline.
Comment: The frequency data for this variant in the population databases is considered unreliable, as metrics indicate poor data quality at this position in the gnomAD database. This sequence change replaces serine, which is neutral and polar, with leucine, which is neutral and non-polar, at codon 163 of the SMAD6 protein (p.Ser163Leu). This variant has not been reported in the literature in individuals affected with SMAD6-related conditions. In summary, the available evidence is currently insufficient to determine the role of this variant in disease. Therefore, it has been classified as a Variant of Uncertain Significance. Algorithms developed to predict the effect of missense changes on protein structure and function are either unavailable or do not agree on the potential impact of this missense change (SIFT: "Deleterious"; PolyPhen-2: "Possibly Damaging"; Align-GVGD: "Class C0").

NM_005585.5(SMAD6):c.488C>T (p.Ser163Leu)

Gene: SMAD6 (SMAD family member 6; plus strand). Cytogenetic location: 15q22.31.
Variant type: single nucleotide variant.
Coding change: c.488C>T on transcript NM_005585.5 (MANE Select); coding-DNA position 488, C replaced by T.
Protein change: p.Ser163Leu; replaces serine 163 with leucine.
Molecular consequence: missense variant. On other transcripts: non-coding transcript variant (1).
Genome position (GRCh38, 1-based): chr15:66,703,746, C>T. VCF-style: chr15-66703746-C-T. GRCh37 (hg19) VCF-style: chr15-66996084-C-T.
Other names: c.488C>T (NM_005585.4); short protein forms S163L.
Identifiers: ClinVar variation 2183186 (VCV002183186.6), dbSNP rs1466586758, ClinGen allele CA392949652.
Genomic context (GRCh38, chr15:66,703,746, plus strand): 5'-ACCCCCTGGCCGGGGCGGCCCTGGAGCCGGCGGGCGGCGGGCGGAGTCGCGAAGCGCGCT[C>T]GCGGCTGCTGCTGCTGGAGCAGGAACTCAAAACCGTCACGTACTCGCTGCTGAAGCGGCT-3'
Protein context (NP_005576.3, residues 153-173): AGGGRSREAR[Ser163Leu]RLLLLEQELK